The following is an entry in ClinVar:

ClinVar aggregate classification (germline): Conflicting classifications of pathogenicity. Review status: criteria provided, conflicting classifications (1 of 4 stars). 4 submissions from 4 submitters: Uncertain significance (1); Likely benign (1). 2 of the submissions do not count toward it. Last evaluated 2024-09-05.

Conditions:
Muscular dystrophy, congenital, with or without seizures (MYOS). Identifiers: MedGen C5774274, MONDO:0859336, OMIM 620166.
Progressive myoclonic epilepsy type 6. Identifiers: Orphanet 280620, MedGen C5190805, MONDO:0013526, OMIM 614018.
Progressive myoclonic epilepsy. Also called: Familial progressive myoclonic epilepsy; Myoclonus epilepsy; Progressive myoclonus epilepsy; Myoclonic Epilepsies, Progressive. Identifiers: Orphanet 308, Orphanet 98261, MedGen C0751778, MONDO:0020074.

Allele frequency attached by ClinVar (database versions not stated): gnomAD 0.00003 and 0.00004; TOPMed 0.00003; gnomAD exomes 0.00004 and 0.00005; ExAC 0.00009.
gnomAD v4.1: 32 of 1,613,158 alleles (0.002%); highest among the groups gnomAD compares: Non-Finnish European, 0.0026%; no homozygotes.

Submissions (4):

Mayo Clinic Laboratories, Mayo Clinic
Classification: Uncertain significance. Last evaluated: 2024-09-05. Review status: criteria provided, single submitter. Criteria: ACMG Guidelines, 2015. Collection method: clinical testing. Allele origin: germline. Observed: 1 variant allele.
Comment: PP3, PM2

Labcorp Genetics (formerly Invitae), Labcorp
Classification: Likely benign for Progressive myoclonic epilepsy. Last evaluated: 2024-04-29. Review status: criteria provided, single submitter. Criteria: Invitae Variant Classification Sherloc (09022015). Collection method: clinical testing. Allele origin: germline.

OMIM
Classification: Pathogenic for MUSCULAR DYSTROPHY, CONGENITAL, WITH SEIZURES. Last evaluated: 2023-02-03. Review status: no assertion criteria provided. Collection method: literature only. Allele origin: germline. Not counted in ClinVar's aggregate classification.

Department of Clinical Genetics, Copenhagen University Hospital, Rigshospitalet
Classification: Likely pathogenic for Progressive myoclonic epilepsy type 6. Last evaluated: 2021-01-29. Review status: no assertion criteria provided. Collection method: clinical testing. Allele origin: germline. Affected: yes. Not counted in ClinVar's aggregate classification.
Comment: Splice defect verified by cDNA analysis

Literature cited by the submitters: PubMed 34167170 (cited by Mayo Clinic Laboratories, Mayo Clinic and OMIM).

NM_004287.5(GOSR2):c.204-7A>G

Genes: GOSR2 (golgi SNAP receptor complex member 2; plus strand), LRRC37A2 (leucine rich repeat containing 37 member A2), LOC126862578 (BRD4-independent group 4 enhancer GRCh37_chr17:45008344-45009543; plus strand). Cytogenetic location: 17q21.32.
Variant type: single nucleotide variant.
Coding change: c.204-7A>G on transcript NM_004287.5 (MANE Select); 7 bases into the intron before coding-DNA position 204, A replaced by G.
Molecular consequence: intron variant.
Genome position (GRCh38, 1-based): chr17:46,932,060, A>G. VCF-style: chr17-46932060-A-G. GRCh37 (hg19) VCF-style: chr17-45009426-A-G.
Other names: p.?; c.204-7A>G (NM_001321133.2, NM_054022.4, NM_001330252.2 and 1 more transcripts); c.150-7A>G (NM_001363851.2, NM_001321134.2); c.201-7A>G (NM_001353114.2, NM_001353115.2, NM_001353116.2).
Identifiers: ClinVar variation 997027 (VCV000997027.10), dbSNP rs746177544, ClinGen allele CA8621209.